The following is an entry in ClinVar:

ClinVar aggregate classification (germline): Uncertain significance. Review status: criteria provided, multiple submitters, no conflicts (2 of 4 stars). 3 submissions from 3 submitters: Uncertain significance (2). 1 of the submissions does not count toward it. Last evaluated 2024-06-11.

Conditions:
Mitochondrial complex I deficiency, nuclear type 11. Also called: Mitochondrial complex 1 deficiency, nuclear type 11. Identifiers: MedGen C4748769, MONDO:0032617, OMIM 618234.

gnomAD v4.1: 24 of 1,613,986 alleles (0.0015%); highest among the groups gnomAD compares: Admixed American, 0.02%; no homozygotes.

Submissions (3):

Labcorp Genetics (formerly Invitae), Labcorp
Classification: Uncertain significance. Last evaluated: 2024-06-11. Review status: criteria provided, single submitter. Criteria: Invitae Variant Classification Sherloc (09022015). Collection method: clinical testing. Allele origin: germline.
Comment: This sequence change replaces glycine, which is neutral and non-polar, with arginine, which is basic and polar, at codon 245 of the NDUFAF1 protein (p.Gly245Arg). This variant is present in population databases (rs376344575, gnomAD 0.04%). This missense change has been observed in individual(s) with clinical features of mitochondrial complex I deficiency (PMID: 21931170). ClinVar contains an entry for this variant (Variation ID: 30625). Advanced modeling of protein sequence and biophysical properties (such as structural, functional, and spatial information, amino acid conservation, physicochemical variation, residue mobility, and thermodynamic stability) performed at Invitae indicates that this missense variant is expected to disrupt NDUFAF1 protein function with a positive predictive value of 80%. In summary, the available evidence is currently insufficient to determine the role of this variant in disease. Therefore, it has been classified as a Variant of Uncertain Significance.

Fulgent Genetics
Classification: Uncertain significance for Mitochondrial complex I deficiency, nuclear type 11. Last evaluated: 2021-10-11. Review status: criteria provided, single submitter. Criteria: ACMG Guidelines, 2015. Collection method: clinical testing. Allele origin: unknown.

OMIM
Classification: Pathogenic for MITOCHONDRIAL COMPLEX I DEFICIENCY, NUCLEAR TYPE 11. Last evaluated: 2011-10-01. Review status: no assertion criteria provided. Collection method: literature only. Allele origin: germline. Not counted in ClinVar's aggregate classification.

Literature cited by the submitters: PubMed 21931170 (cited by Labcorp Genetics (formerly Invitae), Labcorp and OMIM).

NM_016013.4(NDUFAF1):c.733G>A (p.Gly245Arg)

Gene: NDUFAF1 (NADH:ubiquinone oxidoreductase complex assembly factor 1; minus strand). Cytogenetic location: 15q15.1.
Variant type: single nucleotide variant.
Coding change: c.733G>A on transcript NM_016013.4 (MANE Select); coding-DNA position 733, G replaced by A.
Protein change: p.Gly245Arg; replaces glycine 245 with arginine.
Molecular consequence: missense variant. On other transcripts: non-coding transcript variant (1).
Genome position (GRCh38, 1-based): chr15:41,394,885, C>T on the plus strand (G>A on the coding strand, the complement: NDUFAF1 is on the minus strand). VCF-style: chr15-41394885-C-T. GRCh37 (hg19) VCF-style: chr15-41687083-C-T.
Other names: short protein forms G245R.
Identifiers: ClinVar variation 30625 (VCV000030625.8), dbSNP rs376344575, ClinGen allele CA7491268.